The following is an entry in ClinVar:

NM_004360.5(CDH1):c.164-20C>T

Gene: CDH1 (cadherin 1; plus strand). Cytogenetic location: 16q22.1.
Variant type: single nucleotide variant.
Coding change: c.164-20C>T on transcript NM_004360.5 (MANE Select); 20 bases into the intron before coding-DNA position 164, C replaced by T.
Molecular consequence: intron variant.
Genome position (GRCh38, 1-based): chr16:68,801,650, C>T. VCF-style: chr16-68801650-C-T. GRCh37 (hg19) VCF-style: chr16-68835553-C-T.
Other names: c.-1452-20C>T (NM_001317185.2); c.-1656-20C>T (NM_001317186.2); c.164-20C>T (NM_001317184.2).
Identifiers: ClinVar variation 629916 (VCV000629916.13), dbSNP rs751307555, ClinGen allele CA8129803.

ClinVar aggregate classification (germline): Likely benign. Review status: criteria provided, multiple submitters, no conflicts (2 of 4 stars). 3 submissions from 3 submitters: Likely benign (3). Last evaluated 2024-09-12.

Conditions:
Hereditary diffuse gastric adenocarcinoma (HDGC). Also called: DIFFUSE GASTRIC AND LOBULAR BREAST CANCER SYNDROME. Identifiers: Orphanet 26106, MedGen C1708349, MONDO:0007648, OMIM 137215.
Hereditary cancer-predisposing syndrome. Also called: Tumor predisposition; Neoplastic Syndromes, Hereditary; Hereditary Cancer Syndrome; Hereditary neoplastic syndrome. Identifiers: Orphanet 140162, MedGen C0027672, MeSH D009386, MONDO:0015356.

Allele frequency attached by ClinVar (database versions not stated): TOPMed below 0.00001; ExAC 0.00001; gnomAD 0.00001; gnomAD exomes 0.00001.
gnomAD v4.1: 4 of 1,595,034 alleles (0.00025%); highest among the groups gnomAD compares: East Asian, 0.0089%; no homozygotes.

Submissions (3):

Myriad Genetics, Inc.
Classification: Likely benign for Hereditary diffuse gastric adenocarcinoma. Last evaluated: 2024-09-12. Review status: criteria provided, single submitter. Criteria: Myriad Autosomal Dominant, Autosomal Recessive and X-Linked Classification Criteria (2023). Collection method: clinical testing. Allele origin: unknown.
Comment: This variant is considered likely benign. This variant is intronic and is not expected to impact mRNA splicing.

Labcorp Genetics (formerly Invitae), Labcorp
Classification: Likely benign for Hereditary diffuse gastric adenocarcinoma. Last evaluated: 2024-06-30. Review status: criteria provided, single submitter. Criteria: Invitae Variant Classification Sherloc (09022015). Collection method: clinical testing. Allele origin: germline.

Color Diagnostics, LLC DBA Color Health
Classification: Likely benign for Hereditary cancer-predisposing syndrome. Last evaluated: 2017-11-17. Review status: criteria provided, single submitter. Criteria: ACMG Guidelines, 2015. Collection method: clinical testing. Allele origin: germline.